The following is an entry in ClinVar:

NM_000245.4(MET):c.2730+4G>A

Gene: MET (MET proto-oncogene, receptor tyrosine kinase; plus strand). Cytogenetic location: 7q31.2.
Variant type: single nucleotide variant.
Coding change: c.2730+4G>A on transcript NM_000245.4 (MANE Select); 4 bases into the intron after coding-DNA position 2730, G replaced by A.
Molecular consequence: intron variant. On other transcripts: missense variant (1).
Genome position (GRCh38, 1-based): chr7:116,769,795, G>A. VCF-style: chr7-116769795-G-A. GRCh37 (hg19) VCF-style: chr7-116409849-G-A.
Other names: c.2734G>A, p.Gly912Arg (NM_001324401.3); c.2784+4G>A (NM_001127500.3); c.1440+4G>A (NM_001324402.2); short protein forms G912R.
Identifiers: ClinVar variation 3773086 (VCV003773086.1).

ClinVar aggregate classification (germline): Likely benign (1 of 4 stars; one submission).

Conditions:
Papillary renal cell carcinoma type 1 (RCCP1). Also called: Renal adenocarcinoma; Renal cell carcinoma 1; Renal cell carcinoma, somatic; RENAL CELL CARCINOMA, PAPILLARY, 1, SOMATIC. Identifiers: Orphanet 47044, MedGen C1336839, OMIM 605074, HP:0011797.

Submission:

Myriad Genetics, Inc.
Classification: Likely benign for Papillary renal cell carcinoma type 1. Last evaluated: 2024-11-12. Review status: criteria provided, single submitter. Criteria: Myriad Autosomal Dominant, Autosomal Recessive and X-Linked Classification Criteria (2023). Collection method: clinical testing. Allele origin: unknown.
Comment: This variant is considered likely benign. This variant is intronic and is not expected to impact mRNA splicing.